The following is an entry in ClinVar:

NM_000051.4(ATM):c.9071C>G (p.Thr3024Ser)

Genes: ATM (ATM serine/threonine kinase; plus strand), C11orf65 (chromosome 11 open reading frame 65; minus strand). Cytogenetic location: 11q22.3.
Variant type: single nucleotide variant.
Coding change: c.9071C>G on transcript NM_000051.4 (MANE Select); coding-DNA position 9071, C replaced by G.
Protein change: p.Thr3024Ser; replaces threonine 3024 with serine.
Molecular consequence: missense variant. On other transcripts: intron variant (2).
Genome position (GRCh38, 1-based): chr11:108,365,408, C>G. VCF-style: chr11-108365408-C-G. GRCh37 (hg19) VCF-style: chr11-108236135-C-G.
Other names: c.9071C>G, p.Thr3024Ser (NM_001351834.2); c.640+20512G>C (NM_001330368.2); c.694+20512G>C (NM_001351110.2); short protein forms T3024S.
Identifiers: ClinVar variation 1408641 (VCV001408641.6), dbSNP rs786203183, ClinGen allele CA382531685.

ClinVar aggregate classification (germline): Uncertain significance (1 of 4 stars; one submission).

Conditions:
Ataxia-telangiectasia syndrome (AT). Also called: Ataxia-telangiectasia; LOUIS-BAR SYNDROME; Ataxia-telangiectasia, complementation group D; AT, COMPLEMENTATION GROUP C; ATAXIA-TELANGIECTASIA, COMPLEMENTATION GROUP A; ATAXIA-TELANGIECTASIA, FRESNO VARIANT. Identifiers: Orphanet 100, MedGen C0004135, MONDO:0008840, OMIM 208900.

Submission:

Labcorp Genetics (formerly Invitae), Labcorp
Classification: Uncertain significance for Ataxia-telangiectasia syndrome. Last evaluated: 2023-11-10. Review status: criteria provided, single submitter. Criteria: Invitae Variant Classification Sherloc (09022015). Collection method: clinical testing. Allele origin: germline.
Comment: This sequence change replaces threonine, which is neutral and polar, with serine, which is neutral and polar, at codon 3024 of the ATM protein (p.Thr3024Ser). This variant is not present in population databases (gnomAD no frequency). This variant has not been reported in the literature in individuals affected with ATM-related conditions. ClinVar contains an entry for this variant (Variation ID: 1408641). An algorithm developed to predict the effect of missense changes on protein structure and function (PolyPhen-2) suggests that this variant is likely to be tolerated. In summary, the available evidence is currently insufficient to determine the role of this variant in disease. Therefore, it has been classified as a Variant of Uncertain Significance.